The following is an entry in ClinVar:

NM_058216.3(RAD51C):c.900A>G (p.Ala300=)

Gene: RAD51C (RAD51 paralog C; plus strand). Cytogenetic location: 17q22.
Variant type: single nucleotide variant.
Coding change: c.900A>G on transcript NM_058216.3 (MANE Select); coding-DNA position 900, A replaced by G.
Protein change: p.Ala300=; no amino-acid change (alanine 300 retained).
Molecular consequence: synonymous variant. On other transcripts: non-coding transcript variant (1).
Genome position (GRCh38, 1-based): chr17:58,720,808, A>G. VCF-style: chr17-58720808-A-G. GRCh37 (hg19) VCF-style: chr17-56798169-A-G.
Identifiers: ClinVar variation 492392 (VCV000492392.13), dbSNP rs776711046, ClinGen allele CA8677348.

ClinVar aggregate classification (germline): Benign/Likely benign. Review status: criteria provided, multiple submitters, no conflicts (2 of 4 stars). 4 submissions from 4 submitters: Benign (1); Likely benign (3). Last evaluated 2025-02-19.

Conditions:
Breast-ovarian cancer, familial, susceptibility to, 3. Also called: RAD51C-Related Breast/Ovarian Cancer. Identifiers: Orphanet 145, MedGen C3150659, MONDO:0013253, OMIM 613399.
Hereditary cancer-predisposing syndrome. Also called: Tumor predisposition; Neoplastic Syndromes, Hereditary; Hereditary Cancer Syndrome; Hereditary neoplastic syndrome. Identifiers: Orphanet 140162, MedGen C0027672, MeSH D009386, MONDO:0015356.
Fanconi anemia complementation group O. Also called: RAD51C-Related Fanconi Anemia. Identifiers: Orphanet 84, MedGen C3150653, MONDO:0013248, OMIM 613390.

Allele frequency attached by ClinVar (database versions not stated): gnomAD exomes below 0.00001; ExAC 0.00001.
gnomAD v4.1: 2 of 1,609,166 alleles (0.00012%); highest among the groups gnomAD compares: South Asian, 0.0022%; no homozygotes.

Submissions (4):

Myriad Genetics, Inc.
Classification: Benign for Breast-ovarian cancer, familial, susceptibility to, 3. Last evaluated: 2025-02-19. Review status: criteria provided, single submitter. Criteria: Myriad Autosomal Dominant, Autosomal Recessive and X-Linked Classification Criteria (2023). Collection method: clinical testing. Allele origin: unknown.
Comment: This variant is considered benign. This variant is a silent/synonymous amino acid change and it is not expected to impact splicing.

Women's Health and Genetics/Laboratory Corporation of America, LabCorp
Classification: Likely benign. Last evaluated: 2021-11-25. Review status: criteria provided, single submitter. Criteria: LabCorp Variant Classification Summary - May 2015. Collection method: clinical testing. Allele origin: germline.

Labcorp Genetics (formerly Invitae), Labcorp
Classification: Likely benign for Fanconi anemia complementation group O. Last evaluated: 2021-05-09. Review status: criteria provided, single submitter. Criteria: Invitae Variant Classification Sherloc (09022015). Collection method: clinical testing. Allele origin: germline.

Color Diagnostics, LLC DBA Color Health
Classification: Likely benign for Hereditary cancer-predisposing syndrome. Last evaluated: 2017-07-05. Review status: criteria provided, single submitter. Criteria: ACMG Guidelines, 2015. Collection method: clinical testing. Allele origin: germline.